The following is an entry in ClinVar:

NM_007294.4(BRCA1):c.302-3C>T

Gene: BRCA1 (BRCA1 DNA repair associated; minus strand). Cytogenetic location: 17q21.31.
Variant type: single nucleotide variant.
Coding change: c.302-3C>T on transcript NM_007294.4 (MANE Select); 3 bases into the intron before coding-DNA position 302, C replaced by T.
Molecular consequence: intron variant.
Genome position (GRCh38, 1-based): chr17:43,104,264, G>A on the plus strand (C>T on the coding strand, the complement: BRCA1 is on the minus strand). VCF-style: chr17-43104264-G-A. GRCh37 (hg19) VCF-style: chr17-41256281-G-A.
Other names: c.302-3C>T (NM_007294.3, NM_001408446.1, NM_001408435.1 and 165 more transcripts); c.224-3C>T (NM_001407662.1, NM_001408412.1, NM_001407656.1 and 21 more transcripts); c.92-3C>T (NM_001408509.1, NM_001408508.1, NM_001408491.1 and 58 more transcripts); c.293-3C>T (NM_001408408.1, NM_001407647.1, NM_001407646.1); c.161-3C>T (NM_001408458.1, NM_001407931.1, NM_001407747.1 and 99 more transcripts); c.-218-9404C>T (NM_001407967.1, NM_001407966.1); c.-80-3C>T (NM_001407959.1, NM_001407962.1, NM_001408512.1 and 4 more transcripts); c.170-3C>T (NM_001408451.1).
Identifiers: ClinVar variation 1022202 (VCV001022202.16), dbSNP rs80358051, ClinGen allele CA2260790515.

ClinVar aggregate classification (germline): Conflicting classifications of pathogenicity. Review status: criteria provided, conflicting classifications (1 of 4 stars). 4 submissions from 4 submitters: Uncertain significance (3); Likely benign (1). Last evaluated 2025-06-02.

Conditions:
Breast-ovarian cancer, familial, susceptibility to, 1 (BROVCA1). Also called: BRCA1 Hereditary Breast and Ovarian Cancer; OVARIAN CANCER, SUSCEPTIBILITY TO. Identifiers: Orphanet 145, MedGen C2676676, MONDO:0011450, OMIM 604370. Disease mechanism: loss of function.
Hereditary breast ovarian cancer syndrome. Also called: Hereditary breast and ovarian cancer syndrome; Hereditary breast and ovarian cancer syndrome (HBOC); Breast and ovarian cancer; Hereditary breast and ovarian cancer; Hereditary breast and/or ovarian cancer syndrome; BRCA1- and BRCA2-Associated Hereditary Breast and Ovarian Cancer. Identifiers: Orphanet 145, MedGen C0677776, MeSH D061325, MONDO:0003582. Disease mechanism: loss of function.
Hereditary cancer-predisposing syndrome. Also called: Tumor predisposition; Hereditary Cancer Syndrome; Hereditary neoplastic syndrome; Neoplastic Syndromes, Hereditary. Identifiers: Orphanet 140162, MedGen C0027672, MeSH D009386, MONDO:0015356.

Allele frequency attached by ClinVar (database versions not stated): gnomAD exomes below 0.00001.
gnomAD v4.1: 3 of 1,608,504 alleles (0.00019%); highest among the groups gnomAD compares: African/African-American, 0.0013%; no homozygotes.

Submissions (4):

Quest Diagnostics Nichols Institute San Juan Capistrano
Classification: Uncertain significance. Last evaluated: 2025-06-02. Review status: criteria provided, single submitter. Criteria: Quest Diagnostics criteria. Collection method: clinical testing. Allele origin: unknown.
Comment: The BRCA1 c.302-3C>T variant has been reported in the published literature in an individual with breast cancer (PMID: 20683152 (2010)). This variant has not been reported in large, multi-ethnic general populations (Genome Aggregation Database). Analysis of this variant using software algorithms for the prediction of the effect of nucleotide changes on splicing yielded predictions that this variant does not affect BRCA1 mRNA splicing. Based on the available information, we are unable to determine the clinical significance of this variant.

Labcorp Genetics (formerly Invitae), Labcorp
Classification: Uncertain significance for Hereditary breast ovarian cancer syndrome. Last evaluated: 2023-09-22. Review status: criteria provided, single submitter. Criteria: Invitae Variant Classification Sherloc (09022015). Collection method: clinical testing. Allele origin: germline.
Comment: This variant has been observed in individual(s) with breast cancer (PMID: 20683152). In summary, the available evidence is currently insufficient to determine the role of this variant in disease. Therefore, it has been classified as a Variant of Uncertain Significance. This variant disrupts the c.302-3C>G nucleotide in the BRCA1 gene. Other variant(s) that disrupt this nucleotide have been determined to be pathogenic (PMID: 17924331, 21990134). This suggests that this nucleotide is clinically significant, and that variants that disrupt this position are likely to be disease-causing. Variants that disrupt the consensus splice site are a relatively common cause of aberrant splicing (PMID: 17576681, 9536098). Algorithms developed to predict the effect of sequence changes on RNA splicing suggest that this variant is not likely to affect RNA splicing. ClinVar contains an entry for this variant (Variation ID: 1022202). This variant is not present in population databases (gnomAD no frequency). This sequence change falls in intron 5 of the BRCA1 gene. It does not directly change the encoded amino acid sequence of the BRCA1 protein. It affects a nucleotide within the consensus splice site.

Ambry Genetics
Classification: Likely benign for Hereditary cancer-predisposing syndrome. Last evaluated: 2020-06-30. Review status: criteria provided, single submitter. Criteria: Ambry Variant Classification Scheme 2023. Collection method: clinical testing. Allele origin: germline.

University of Science and Technology Houari Boumediene, Laboratory of Molecular and Cellular Biology (LBCM)
Classification: Uncertain significance for Breast-ovarian cancer, familial, susceptibility to, 1. Review status: criteria provided, single submitter. Criteria: ACMG Guidelines, 2015. Collection method: clinical testing. Allele origin: germline. Affected: yes. Observed: 1 heterozygote.

Literature cited by the submitters: PubMed 20683152 (cited by 3 submitters); PubMed 33893081 (cited by Quest Diagnostics Nichols Institute San Juan Capistrano); PubMed 17924331 (cited by Labcorp Genetics (formerly Invitae), Labcorp); PubMed 21990134 (cited by Labcorp Genetics (formerly Invitae), Labcorp); PubMed 17576681 (cited by Labcorp Genetics (formerly Invitae), Labcorp); PubMed 9536098 (cited by Labcorp Genetics (formerly Invitae), Labcorp); PubMed 22684231 (cited by University of Science and Technology Houari Boumediene, Laboratory of Molecular and Cellular Biology (LBCM)).